The following is an entry in ClinVar:

NM_014714.4(IFT140):c.927G>C (p.Glu309Asp)

Genes: IFT140 (intraflagellar transport 140; minus strand), LOC105371046 (uncharacterized LOC105371046; plus strand). Cytogenetic location: 16p13.3.
Variant type: single nucleotide variant.
Coding change: c.927G>C on transcript NM_014714.4 (MANE Select); coding-DNA position 927, G replaced by C.
Protein change: p.Glu309Asp; replaces glutamic acid 309 with aspartic acid.
Molecular consequence: missense variant.
Genome position (GRCh38, 1-based): chr16:1,587,280, C>G on the plus strand (G>C on the coding strand, the complement: IFT140 is on the minus strand). VCF-style: chr16-1587280-C-G. GRCh37 (hg19) VCF-style: chr16-1637281-C-G.
Other names: short protein forms E309D.
Identifiers: ClinVar variation 1399397 (VCV001399397.8), dbSNP rs2141852274, ClinGen allele CA394216950.

ClinVar aggregate classification (germline): Uncertain significance (1 of 4 stars; one submission).

Conditions:
Saldino-Mainzer syndrome (SRTD9). Also called: CONORENAL SYNDROME; Renal dysplasia, retinal pigmentary dystrophy, cerebellar ataxia and skeletal dysplasia; SHORT-RIB THORACIC DYSPLASIA 9 WITHOUT POLYDACTYLY; short-rib thoracic dysplasia 9 with or without polydactyly. Identifiers: Orphanet 140969, MedGen C1849437, MONDO:0009964, OMIM 266920.

Submission:

Labcorp Genetics (formerly Invitae), Labcorp
Classification: Uncertain significance for Saldino-Mainzer syndrome. Last evaluated: 2022-02-24. Review status: criteria provided, single submitter. Criteria: Invitae Variant Classification Sherloc (09022015). Collection method: clinical testing. Allele origin: germline.
Comment: In summary, the available evidence is currently insufficient to determine the role of this variant in disease. Therefore, it has been classified as a Variant of Uncertain Significance. Algorithms developed to predict the effect of missense changes on protein structure and function (SIFT, PolyPhen-2, Align-GVGD) all suggest that this variant is likely to be tolerated. This variant has not been reported in the literature in individuals affected with IFT140-related conditions. This variant is not present in population databases (gnomAD no frequency). This sequence change replaces glutamic acid, which is acidic and polar, with aspartic acid, which is acidic and polar, at codon 309 of the IFT140 protein (p.Glu309Asp).